The following is an entry in ClinVar:

NM_032043.3(BRIP1):c.2746T>A (p.Tyr916Asn)

Gene: BRIP1 (BRCA1 interacting DNA helicase 1; minus strand). Cytogenetic location: 17q23.2.
Variant type: single nucleotide variant.
Coding change: c.2746T>A on transcript NM_032043.3 (MANE Select); coding-DNA position 2746, T replaced by A.
Protein change: p.Tyr916Asn; replaces tyrosine 916 with asparagine.
Molecular consequence: missense variant.
Genome position (GRCh38, 1-based): chr17:61,685,995, A>T on the plus strand (T>A on the coding strand, the complement: BRIP1 is on the minus strand). VCF-style: chr17-61685995-A-T. GRCh37 (hg19) VCF-style: chr17-59763356-A-T.
Other names: short protein forms Y916N.
Identifiers: ClinVar variation 2946070 (VCV002946070.3), dbSNP rs2144112786, ClinGen allele CA400481618.

ClinVar aggregate classification (germline): Uncertain significance (1 of 4 stars; one submission).

Conditions:
Fanconi anemia complementation group J. Also called: BRIP1-Related Fanconi Anemia. Identifiers: Orphanet 84, MedGen C1836860, MONDO:0012187, OMIM 609054.
Familial cancer of breast. Also called: BREAST CANCER, FAMILIAL; Hereditary breast cancer; hereditary breast carcinoma. Identifiers: Orphanet 227535, MedGen C0346153, MONDO:0016419, OMIM 114480. Disease mechanism: loss of function.

Submission:

Labcorp Genetics (formerly Invitae), Labcorp
Classification: Uncertain significance for Familial cancer of breast; Fanconi anemia complementation group J. Last evaluated: 2023-04-03. Review status: criteria provided, single submitter. Criteria: Invitae Variant Classification Sherloc (09022015). Collection method: clinical testing. Allele origin: germline.
Comment: In summary, the available evidence is currently insufficient to determine the role of this variant in disease. Therefore, it has been classified as a Variant of Uncertain Significance. RNA analysis performed to evaluate the impact of this missense change on mRNA splicing indicates it does not significantly alter splicing (Invitae). This sequence change replaces tyrosine, which is neutral and polar, with asparagine, which is neutral and polar, at codon 916 of the BRIP1 protein (p.Tyr916Asn). This variant is not present in population databases (gnomAD no frequency). This variant has not been reported in the literature in individuals affected with BRIP1-related conditions. Advanced modeling of protein sequence and biophysical properties (such as structural, functional, and spatial information, amino acid conservation, physicochemical variation, residue mobility, and thermodynamic stability) performed at Invitae indicates that this missense variant is not expected to disrupt BRIP1 protein function.